The following is an entry in ClinVar:

NM_016373.4(WWOX):c.728dup (p.Gln244fs)

Gene: WWOX (WW domain containing oxidoreductase; plus strand). Cytogenetic location: 16q23.1.
Variant type: Duplication.
Coding change: c.728dup on transcript NM_016373.4 (MANE Select); coding-DNA position 728, one base duplicated (T; older notation c.728dupT).
Protein change: p.Gln244fs; shifts the reading frame from glutamine 244.
Molecular consequence: frameshift variant.
Genome position (GRCh38, 1-based): chr16:78,424,992, T duplicated. VCF-style (leftmost placement, unchanged base first): chr16-78424991-C-CT. GRCh37 (hg19) VCF-style: chr16-78458888-C-CT.
Other names: c.389dup, p.Gln131fs (NM_001291997.2); short protein forms Q131fs, Q244fs.
Identifiers: ClinVar variation 3366918 (VCV003366918.1).
Genomic context (GRCh38, chr16:78,424,991, plus strand): 5'-GATGGCCTGGAGACCACCTTTCAAGTGAATCATCTGGGGCACTTCTACCTTGTCCAGCTC[C>CT]TCCAGGATGTTTTGTGCCGCTCAGCTCCTGCCCGTGTCATTGTGGTCTCCTCAGAGTCCC-3'

ClinVar aggregate classification (germline): Pathogenic (1 of 4 stars; one submission).

Conditions:
Developmental and epileptic encephalopathy, 28 (DEE28). Also called: Epileptic encephalopathy, early infantile, 28. Identifiers: Orphanet 442835, MedGen C4015519, MONDO:0014533, OMIM 616211.

Submission:

Kids Research, The Children's Hospital at Westmead
Classification: Pathogenic for Developmental and epileptic encephalopathy, 28. Last evaluated: 2024-09-20. Review status: criteria provided, single submitter. Criteria: ACMG Guidelines, 2015. Collection method: research. Allele origin: germline. Affected: yes.
Comment: PVS1, PM2, PM3